The following is an entry in ClinVar:

NM_000350.3(ABCA4):c.1335C>G (p.Ser445Arg)

Gene: ABCA4 (ATP binding cassette subfamily A member 4; minus strand). Cytogenetic location: 1p22.1.
Variant type: single nucleotide variant.
Coding change: c.1335C>G on transcript NM_000350.3 (MANE Select); coding-DNA position 1335, C replaced by G.
Protein change: p.Ser445Arg; replaces serine 445 with arginine.
Molecular consequence: missense variant.
Genome position (GRCh38, 1-based): chr1:94,078,611, G>C on the plus strand (C>G on the coding strand, the complement: ABCA4 is on the minus strand). VCF-style: chr1-94078611-G-C. GRCh37 (hg19) VCF-style: chr1-94544167-G-C.
Other names: c.1335C>G, p.Ser445Arg (NM_001425324.1); short protein forms S445R.
Identifiers: ClinVar variation 99045 (VCV000099045.17), dbSNP rs61748552, ClinGen allele CA226886.

ClinVar aggregate classification (germline): Pathogenic. Review status: criteria provided, multiple submitters, no conflicts (2 of 4 stars). 6 submissions from 6 submitters: Pathogenic (3). 3 of the submissions do not count toward it. Last evaluated 2026-01-17.

Conditions:
ABCA4-related disorder. Also called: ABCA4-related condition; ABCA4-related disorders. Identifiers: MedGen CN239167.
Retinal dystrophy. Also called: Inherited retinal dystrophy. Identifiers: Orphanet 71862, MedGen C0854723, MeSH D058499, MONDO:0019118, HP:0000556.
Stargardt disease (FFM). Also called: Fundus flavimaculatus; Stargardt's disease. Identifiers: Orphanet 827, MedGen C0271093, MONDO:0019353.
Severe early-childhood-onset retinal dystrophy (STGD1). Also called: MACULAR DYSTROPHY WITH FLECKS, TYPE 1; STGD; Stargardt disease 1; Stargardt macular dystrophy; Juvenile onset macular degeneration. Identifiers: Orphanet 364055, Orphanet 827, MedGen C1855465, MeSH D000080362, MONDO:0009549, OMIM 248200.

Allele frequency attached by ClinVar (database versions not stated): gnomAD 0.00001; gnomAD exomes 0.00001 and 0.00003; TOPMed 0.00001.
gnomAD v4.1: 45 of 1,461,526 alleles (0.0031%); highest among the groups gnomAD compares: Non-Finnish European, 0.0042%; no homozygotes.

Submissions (6):

Labcorp Genetics (formerly Invitae), Labcorp
Classification: Pathogenic. Last evaluated: 2026-01-17. Review status: criteria provided, single submitter. Criteria: Invitae Variant Classification Sherloc (09022015). Collection method: clinical testing. Allele origin: germline.
Comment: This sequence change replaces serine, which is neutral and polar, with arginine, which is basic and polar, at codon 445 of the ABCA4 protein (p.Ser445Arg). This variant is present in population databases (rs61748552, gnomAD 0.002%). This missense change has been observed in individuals with Stargardt disease (PMID: 26872967, 28041643; internal data). ClinVar contains an entry for this variant (Variation ID: 99045). Invitae Evidence Modeling of protein sequence and biophysical properties (such as structural, functional, and spatial information, amino acid conservation, physicochemical variation, residue mobility, and thermodynamic stability) indicates that this missense variant is expected to disrupt ABCA4 protein function with a positive predictive value of 95%. For these reasons, this variant has been classified as Pathogenic.

Women's Health and Genetics/Laboratory Corporation of America, LabCorp
Classification: Pathogenic for Stargardt disease. Last evaluated: 2025-04-08. Review status: criteria provided, single submitter. Criteria: LabCorp Variant Classification Summary - May 2015. Collection method: clinical testing. Allele origin: germline.
Comment: Variant summary: ABCA4 c.1335C>G (p.Ser445Arg) results in a non-conservative amino acid change in the encoded protein sequence. Five of five in-silico tools predict a damaging effect of the variant on protein function. The variant allele was found at a frequency of 8e-06 in 251446 control chromosomes. c.1335C>G has been reported in the literature in multiple individuals affected with Stargardt disease/inherited retinal disease (e.g. Papaioannou_2000, Webster_2001, Parker_2016, Ellingford_2016, Carss_2017, Fenner_2024, Lin_2024). These data indicate that the variant is very likely to be associated with disease. To our knowledge, no experimental evidence demonstrating an impact on protein function has been reported. The following publications have been ascertained in the context of this evaluation (PMID: 26872967, 38309476, 38219857, 10634594, 27730010, 11328725, 28041643). ClinVar contains an entry for this variant (Variation ID: 99045). Based on the evidence outlined above, the variant was classified as pathogenic.

Blueprint Genetics
Classification: Pathogenic for ABCA4-related disorders. Last evaluated: 2022-06-03. Review status: criteria provided, single submitter. Criteria: ACMG Guidelines, 2015. Collection method: clinical testing. Allele origin: germline. Affected: yes. Observed: 5 variant alleles.

Centre for Genomic Medicine, Manchester, Central Manchester University Hospitals
Classification: Likely pathogenic for Retinal dystrophy. Last evaluated: 2015-01-21. Review status: no assertion criteria provided. Collection method: clinical testing. Allele origin: germline. Affected: yes. Not counted in ClinVar's aggregate classification.

NIHR Bioresource Rare Diseases, University of Cambridge
Classification: Likely pathogenic. Last evaluated: 2015-01-01. Review status: no assertion criteria provided. Collection method: research. Allele origin: unknown. Affected: yes. Observed: 1 variant allele. Not counted in ClinVar's aggregate classification.

Retina International
No classification provided. Review status: no classification provided. Collection method: not provided. Allele origin: not provided. Not counted in ClinVar's aggregate classification.

Literature cited by the submitters: PubMed 26872967 (cited by 3 submitters); PubMed 28041643 (cited by 3 submitters); PubMed 11328725 (cited by Women's Health and Genetics/Laboratory Corporation of America, LabCorp); PubMed 38219857 (cited by Women's Health and Genetics/Laboratory Corporation of America, LabCorp); PubMed 38309476 (cited by Women's Health and Genetics/Laboratory Corporation of America, LabCorp); PubMed 10634594 (cited by Women's Health and Genetics/Laboratory Corporation of America, LabCorp and NIHR Bioresource Rare Diseases, University of Cambridge); PubMed 27730010 (cited by Women's Health and Genetics/Laboratory Corporation of America, LabCorp).